The following is an entry in ClinVar:

ClinVar aggregate classification (germline): Uncertain significance (1 of 4 stars; one submission).

gnomAD v4.1: 1 of 1,203,586 alleles (0.000083%); highest among the groups gnomAD compares: Non-Finnish European, 0.00011%; no homozygotes.

Submission:

Labcorp Genetics (formerly Invitae), Labcorp
Classification: Uncertain significance. Last evaluated: 2024-05-06. Review status: criteria provided, single submitter. Criteria: Invitae Variant Classification Sherloc (09022015). Collection method: clinical testing. Allele origin: germline.
Comment: This sequence change replaces isoleucine, which is neutral and non-polar, with valine, which is neutral and non-polar, at codon 348 of the SH3KBP1 protein (p.Ile348Val). This variant is not present in population databases (gnomAD no frequency). This variant has not been reported in the literature in individuals affected with SH3KBP1-related conditions. Advanced modeling of protein sequence and biophysical properties (such as structural, functional, and spatial information, amino acid conservation, physicochemical variation, residue mobility, and thermodynamic stability) performed at Invitae indicates that this missense variant is not expected to disrupt SH3KBP1 protein function with a negative predictive value of 80%. In summary, the available evidence is currently insufficient to determine the role of this variant in disease. Therefore, it has been classified as a Variant of Uncertain Significance.

NM_031892.3(SH3KBP1):c.1042A>G (p.Ile348Val)

Gene: SH3KBP1 (SH3 domain containing kinase binding protein 1; minus strand). Cytogenetic location: Xp22.12.
Variant type: single nucleotide variant.
Coding change: c.1042A>G on transcript NM_031892.3 (MANE Select); coding-DNA position 1042, A replaced by G.
Protein change: p.Ile348Val; replaces isoleucine 348 with valine.
Molecular consequence: missense variant.
Genome position (GRCh38, 1-based): chrX:19,594,964, T>C on the plus strand (A>G on the coding strand, the complement: SH3KBP1 is on the minus strand). VCF-style: chrX-19594964-T-C. GRCh37 (hg19) VCF-style: chrX-19613082-T-C.
Other names: c.865A>G, p.Ile289Val (NM_001410758.1); c.931A>G, p.Ile311Val (NM_001024666.3); c.328A>G, p.Ile110Val (NM_001184960.2, NM_001353897.2); c.1042A>G, p.Ile348Val (NM_001353890.2); c.1117A>G, p.Ile373Val (NM_001353891.2, NM_001353892.2); c.940A>G, p.Ile314Val (NM_001353893.2, NM_001353894.2); c.997A>G, p.Ile333Val (NM_001353895.2); c.1174A>G, p.Ile392Val (NM_001410756.1, NM_001410757.1); short protein forms I289V, I348V, I373V, I314V, I110V, I311V, I392V, I333V.
Identifiers: ClinVar variation 3685766 (VCV003685766.2).